The following is an entry in ClinVar:

NM_018249.6(CDK5RAP2):c.5070T>C (p.Asn1690=)

Gene: CDK5RAP2 (CDK5 regulatory subunit associated protein 2; minus strand). Cytogenetic location: 9q33.2.
Variant type: single nucleotide variant.
Coding change: c.5070T>C on transcript NM_018249.6 (MANE Select); coding-DNA position 5070, T replaced by C.
Protein change: p.Asn1690=; no amino-acid change (asparagine 1690 retained).
Molecular consequence: synonymous variant. On other transcripts: non-coding transcript variant (5).
Genome position (GRCh38, 1-based): chr9:120,403,043, A>G on the plus strand (T>C on the coding strand, the complement: CDK5RAP2 is on the minus strand). VCF-style: chr9-120403043-A-G. GRCh37 (hg19) VCF-style: chr9-123165321-A-G.
Other names: c.4833T>C, p.Asn1611= (NM_001011649.3); c.4380T>C, p.Asn1460= (NM_001272039.2); c.4971T>C, p.Asn1657= (NM_001410992.1); c.4974T>C, p.Asn1658= (NM_001410993.1); c.5067T>C, p.Asn1689= (NM_001410994.1).
Identifiers: ClinVar variation 4987014 (VCV004987014.1).
Genomic context (GRCh38, chr9:120,403,043, plus strand): 5'-GGACACACACGGAGTGCTAGTTGCCGAACTGCCACTGTCGCAGGAGAGGGAGTCCGTGTC[A>G]TTCCCAGAGAGTGGAGGAGTCTCTGAAACTGTAAAATGAGAAGTAGGATGTAAAATCTGT-3'
Protein context (NP_060719.4, residues 1680-1700): SVSETPPLSG[Asn1690=]DTDSLSCDSG

ClinVar aggregate classification (germline): Likely benign (1 of 4 stars; one submission).

Conditions:
CDK5RAP2-related disorder. Also called: CDK5RAP2-related condition.

gnomAD v4.1: 9 of 1,614,094 alleles (0.00056%); highest among the groups gnomAD compares: Admixed American, 0.0017%; no homozygotes.

Submission:

PreventionGenetics, part of Exact Sciences
Classification: Likely benign for CDK5RAP2-related condition. Last evaluated: 2025-05-23. Review status: criteria provided, single submitter. Criteria: ACMG Guidelines, 2015. Collection method: clinical testing. Allele origin: germline.
Comment: This variant is classified as likely benign based on ACMG/AMP sequence variant interpretation guidelines (Richards et al. 2015 PMID: 25741868, with internal and published modifications).